The following is an entry in ClinVar:

NM_001376.5(DYNC1H1):c.11691-4G>T

Gene: DYNC1H1 (dynein cytoplasmic 1 heavy chain 1; plus strand). Cytogenetic location: 14q32.31.
Variant type: single nucleotide variant.
Coding change: c.11691-4G>T on transcript NM_001376.5 (MANE Select); 4 bases into the intron before coding-DNA position 11691, G replaced by T.
Molecular consequence: intron variant.
Genome position (GRCh38, 1-based): chr14:102,040,232, G>T. VCF-style: chr14-102040232-G-T. GRCh37 (hg19) VCF-style: chr14-102506569-G-T.
Identifiers: ClinVar variation 415325 (VCV000415325.43), dbSNP rs201810550, ClinGen allele CA7353710.

ClinVar aggregate classification (germline): Benign/Likely benign. Review status: criteria provided, multiple submitters, no conflicts (2 of 4 stars). 6 submissions from 6 submitters: Benign (4); Likely benign (2). Last evaluated 2025-12-01.

Conditions:
Inborn genetic diseases. Identifiers: MedGen C0950123, MeSH D030342.
DYNC1H1-related disorder. Also called: DYNC1H1-related condition; DYNC1H1-related disorders. Identifiers: MedGen CN381529.
Charcot-Marie-Tooth disease axonal type 2O. Also called: Charcot-Marie-Tooth disease, axonal, type 20; CHARCOT-MARIE-TOOTH NEUROPATHY, AXONAL, TYPE 2O; CHARCOT-MARIE-TOOTH DISEASE, AXONAL, AUTOSOMAL DOMINANT, TYPE 2O; Charcot-Marie-Tooth Neuropathy Type 2O. Identifiers: Orphanet 284232, MedGen C3280220, MONDO:0013644, OMIM 614228.

Allele frequency attached by ClinVar (database versions not stated): gnomAD 0.00009; 1000 Genomes Project 0.00020; ExAC 0.00024; TOPMed 0.00030; 1000 Genomes Project 30x 0.00031.
gnomAD v4.1: 137 of 1,614,068 alleles (0.0085%); highest among the groups gnomAD compares: East Asian, 0.25%; no homozygotes.

Submissions (6):

Labcorp Genetics (formerly Invitae), Labcorp
Classification: Benign for Charcot-Marie-Tooth disease axonal type 2O. Last evaluated: 2025-12-01. Review status: criteria provided, single submitter. Criteria: Invitae Variant Classification Sherloc (09022015). Collection method: clinical testing. Allele origin: germline.

PreventionGenetics, part of Exact Sciences
Classification: Likely benign for DYNC1H1-related condition. Last evaluated: 2025-09-23. Review status: criteria provided, single submitter. Criteria: ACMG Guidelines, 2015. Collection method: clinical testing. Allele origin: germline.
Comment: This variant is classified as likely benign based on ACMG/AMP sequence variant interpretation guidelines (Richards et al. 2015 PMID: 25741868, with internal and published modifications).

Blueprint Genetics
Classification: Likely benign. Last evaluated: 2024-07-24. Review status: criteria provided, single submitter. Criteria: ACMG Guidelines, 2015. Collection method: clinical testing. Allele origin: germline.

CeGaT Center for Human Genetics Tuebingen
Classification: Benign. Last evaluated: 2022-09-01. Review status: criteria provided, single submitter. Criteria: CeGaT Center For Human Genetics Tuebingen Variant Classification Criteria Version 2. Collection method: clinical testing. Allele origin: germline. Affected: yes. Observed: 1 variant allele.
Comment: DYNC1H1: BS1, BS2

GeneDx
Classification: Benign. Last evaluated: 2021-06-22. Review status: criteria provided, single submitter. Criteria: GeneDx Variant Classification Process June 2021. Collection method: clinical testing. Allele origin: germline. Affected: yes.

Ambry Genetics
Classification: Benign for Inborn genetic diseases. Last evaluated: 2019-05-03. Review status: criteria provided, single submitter. Criteria: Ambry Variant Classification Scheme 2023. Collection method: clinical testing. Allele origin: germline.